The following is an entry in ClinVar:

NM_001127222.2(CACNA1A):c.1626G>A (p.Thr542=)

Gene: CACNA1A (calcium voltage-gated channel subunit alpha1 A; minus strand). Cytogenetic location: 19p13.13.
Variant type: single nucleotide variant.
Coding change: c.1626G>A on transcript NM_001127222.2 (MANE Select); coding-DNA position 1626, G replaced by A.
Protein change: p.Thr542=; no amino-acid change (threonine 542 retained).
Molecular consequence: synonymous variant.
Genome position (GRCh38, 1-based): chr19:13,312,711, C>T on the plus strand (G>A on the coding strand, the complement: CACNA1A is on the minus strand). VCF-style: chr19-13312711-C-T. GRCh37 (hg19) VCF-style: chr19-13423525-C-T.
Other names: p.Thr543=; c.1629G>A, p.Thr543= (NM_000068.4, NM_001127221.2, NM_001174080.2 and 1 more transcripts); c.1629G>A (NM_000068.2).
Identifiers: ClinVar variation 128544 (VCV000128544.25), dbSNP rs16011, ClinGen allele CA152073.
Genomic context (GRCh38, chr19:13,312,711, plus strand): 5'-AGAAACAAGAGCACTTACCCCACAGTCAAAGCAGTTGAAGGAAGAGTGGAAGTAAGGCCG[C>T]GTCCCAAGCCCGTACATTTTTATAAACATTTCGGACATAAAGAGTCCTAAGAAAATGAAT-3'
Protein context (NP_001120694.1, residues 532-552): EMFIKMYGLG[Thr542=]RPYFHSSFNC

ClinVar aggregate classification (germline): Benign. Review status: criteria provided, multiple submitters, no conflicts (2 of 4 stars). 9 submissions from 9 submitters: Benign (6). 3 of the submissions do not count toward it. Last evaluated 2026-02-03.

Conditions:
Episodic ataxia type 2 (EA2). Also called: ACETAZOLAMIDE-RESPONSIVE HEREDITARY PAROXYSMAL CEREBELLAR ATAXIA; ATAXIA, EPISODIC, WITH NYSTAGMUS; ATAXIA, FAMILIAL PAROXYSMAL; CEREBELLAR ATAXIA, PAROXYSMAL, ACETAZOLAMIDE-RESPONSIVE; CEREBELLOPATHY, HEREDITARY PAROXYSMAL; EPISODIC ATAXIA, NYSTAGMUS-ASSOCIATED. Identifiers: Orphanet 97, MedGen C1720416, MONDO:0007163, OMIM 108500.
Developmental and epileptic encephalopathy, 42 (DEE42A). Also called: DEVELOPMENTAL AND EPILEPTIC ENCEPHALOPATHY 42A; EPILEPTIC ENCEPHALOPATHY, EARLY INFANTILE, 42A; Epileptic encephalopathy, early infantile, 42. Identifiers: MedGen C4310716, MONDO:0014917, OMIM 617106.
Inborn genetic diseases. Identifiers: MedGen C0950123, MeSH D030342.

Allele frequency attached by ClinVar (database versions not stated): gnomAD exomes 0.00312 and 0.00820; ExAC 0.01060; ESP Exome Variant Server 0.03389; gnomAD 0.03420 and 0.03687; 1000 Genomes Project 0.03574; TOPMed 0.03835; 1000 Genomes Project 30x 0.03857.
gnomAD v4.1: 9,924 of 1,592,302 alleles (0.62%); highest among the groups gnomAD compares: African/African-American, 11%; 470 homozygotes.

Submissions (9):

Labcorp Genetics (formerly Invitae), Labcorp
Classification: Benign for Developmental and epileptic encephalopathy, 42; Episodic ataxia type 2. Last evaluated: 2026-02-03. Review status: criteria provided, single submitter. Criteria: Invitae Variant Classification Sherloc (09022015). Collection method: clinical testing. Allele origin: germline.

Athena Diagnostics
Classification: Benign. Last evaluated: 2025-09-08. Review status: criteria provided, single submitter. Criteria: Athena Diagnostics Criteria. Collection method: clinical testing. Allele origin: unknown.
Comment: The frequency of this variant in the general population is higher than would generally be expected for pathogenic variants in this gene.

Mayo Clinic Laboratories, Mayo Clinic
Classification: Benign. Last evaluated: 2022-03-23. Review status: criteria provided, single submitter. Criteria: ACMG Guidelines, 2015. Collection method: clinical testing. Allele origin: germline. Observed: 25 variant alleles.

Ambry Genetics
Classification: Benign for Inborn genetic diseases. Last evaluated: 2016-04-15. Review status: criteria provided, single submitter. Criteria: Ambry Variant Classification Scheme 2023. Collection method: clinical testing. Allele origin: germline.

GeneDx
Classification: Benign. Last evaluated: 2016-01-23. Review status: criteria provided, single submitter. Criteria: GeneDx Variant Classification (06012015). Collection method: clinical testing. Allele origin: germline. Affected: yes.
Comment: This variant is considered likely benign or benign based on one or more of the following criteria: it is a conservative change, it occurs at a poorly conserved position in the protein, it is predicted to be benign by multiple in silico algorithms, and/or has population frequency not consistent with disease.

Breakthrough Genomics
Classification: Benign. Review status: criteria provided, single submitter. Criteria: ACMG Guidelines, 2015. Collection method: not provided. Allele origin: germline. Inheritance: Autosomal dominant inheritance. Affected: yes.

Clinical Genetics DNA and cytogenetics Diagnostics Lab, Erasmus MC, Erasmus Medical Center
Classification: Benign. Review status: no assertion criteria provided. Collection method: clinical testing. Allele origin: germline. Affected: yes. Study: VKGL Data-share Consensus. Not counted in ClinVar's aggregate classification.

Genetic Services Laboratory, University of Chicago
Classification: Likely benign for AllHighlyPenetrant. Review status: no assertion criteria provided. Collection method: clinical testing. Allele origin: germline. Inheritance: Autosomal dominant inheritance. Not counted in ClinVar's aggregate classification.
Comment: Likely benign based on allele frequency in 1000 Genomes Project or ESP global frequency and its presence in a patient with a rare or unrelated disease phenotype. NOT Sanger confirmed.

Laboratory of Diagnostic Genome Analysis, Leiden University Medical Center (LUMC)
Classification: Likely benign. Review status: no assertion criteria provided. Collection method: clinical testing. Allele origin: germline. Affected: yes. Study: VKGL Data-share Consensus. Not counted in ClinVar's aggregate classification.